The following is an entry in ClinVar:

NM_004380.3(CREBBP):c.5442G>C (p.Gly1814=)

Gene: CREBBP (CREB binding lysine acetyltransferase; minus strand). Cytogenetic location: 16p13.3.
Variant type: single nucleotide variant.
Coding change: c.5442G>C on transcript NM_004380.3 (MANE Select); coding-DNA position 5442, G replaced by C.
Protein change: p.Gly1814=; no amino-acid change (glycine 1814 retained).
Molecular consequence: synonymous variant.
Genome position (GRCh38, 1-based): chr16:3,729,605, C>G on the plus strand (G>C on the coding strand, the complement: CREBBP is on the minus strand). VCF-style: chr16-3729605-C-G. GRCh37 (hg19) VCF-style: chr16-3779606-C-G.
Other names: c.5328G>C, p.Gly1776= (NM_001079846.1).
Identifiers: ClinVar variation 4981813 (VCV004981813.1).

ClinVar aggregate classification (germline): Likely benign (1 of 4 stars; one submission).

Conditions:
CREBBP-related disorder. Also called: CREBBP-related disorders; CREBBP-related condition.

Submission:

PreventionGenetics, part of Exact Sciences
Classification: Likely benign for CREBBP-related condition. Last evaluated: 2026-04-30. Review status: criteria provided, single submitter. Criteria: ACMG Guidelines, 2015. Collection method: clinical testing. Allele origin: germline.
Comment: This variant is classified as likely benign based on ACMG/AMP sequence variant interpretation guidelines (Richards et al. 2015 PMID: 25741868, with internal and published modifications).